The following is an entry in ClinVar:

ClinVar aggregate classification (germline): Likely benign (0 of 4 stars; one submission).

Conditions:
COL8A1-related disorder. Also called: COL8A1-related condition.

Submission:

PreventionGenetics, part of Exact Sciences
Classification: Likely benign for COL8A1-related condition. Last evaluated: 2019-02-22. Review status: no assertion criteria provided. Collection method: clinical testing. Allele origin: germline.
Comment: This variant is classified as likely benign based on ACMG/AMP sequence variant interpretation guidelines (Richards et al. 2015 PMID: 25741868, with internal and published modifications).

NM_020351.4(COL8A1):c.213C>A (p.Gly71=)

Gene: COL8A1 (collagen type VIII alpha 1 chain; plus strand). Cytogenetic location: 3q12.1.
Variant type: single nucleotide variant.
Coding change: c.213C>A on transcript NM_020351.4 (MANE Select); coding-DNA position 213, C replaced by A.
Protein change: p.Gly71=; no amino-acid change (glycine 71 retained).
Molecular consequence: synonymous variant.
Genome position (GRCh38, 1-based): chr3:99,790,895, C>A. VCF-style: chr3-99790895-C-A. GRCh37 (hg19) VCF-style: chr3-99509739-C-A.
Other names: c.213C>A, p.Gly71= (NM_001850.5).
Identifiers: ClinVar variation 3057980 (VCV003057980.2), dbSNP rs1941987950, ClinGen allele CA434876196.